The following is an entry in ClinVar:

NM_022356.4(P3H1):c.1232G>A (p.Arg411Gln)

Gene: P3H1 (prolyl 3-hydroxylase 1; minus strand). Cytogenetic location: 1p34.2.
Variant type: single nucleotide variant.
Coding change: c.1232G>A on transcript NM_022356.4 (MANE Select); coding-DNA position 1232, G replaced by A.
Protein change: p.Arg411Gln; replaces arginine 411 with glutamine.
Molecular consequence: missense variant.
Genome position (GRCh38, 1-based): chr1:42,754,982, C>T on the plus strand (G>A on the coding strand, the complement: P3H1 is on the minus strand). VCF-style: chr1-42754982-C-T. GRCh37 (hg19) VCF-style: chr1-43220653-C-T.
Other names: c.1232G>A (NM_022356.3); c.1232G>A, p.Arg411Gln (NM_001146289.2, NM_001243246.2); short protein forms R411Q.
Identifiers: ClinVar variation 1494904 (VCV001494904.6), dbSNP rs148636462, ClinGen allele CA801903.
Genomic context (GRCh38, chr1:42,754,982, plus strand): 5'-AGGGTCTCGATTTCCTTCATAAGGTTCCCAATCTCCTGGGAGATGCGTACGGCTGTTTCC[C>T]GTTCTGACCTATGAGCACAGCCGCTCTGAGGACTGCATTCCAGGGCCAGCCCTGGGCTCC-3'
Protein context (NP_071751.3, residues 401-421): KRLQEKQKSE[Arg411Gln]ETAVRISQEI

ClinVar aggregate classification (germline): Uncertain significance. Review status: criteria provided, multiple submitters, no conflicts (2 of 4 stars). 2 submissions from 2 submitters: Uncertain significance (2). Last evaluated 2024-11-09.

Conditions:
Inborn genetic diseases. Identifiers: MedGen C0950123, MeSH D030342.
Osteogenesis imperfecta type 8 (OI8). Identifiers: MedGen C1970458, MONDO:0012581, OMIM 610915.

Allele frequency attached by ClinVar (database versions not stated): gnomAD exomes 0.00001 and 0.00003; ExAC 0.00002; TOPMed 0.00013; gnomAD 0.00014 and 0.00016; ESP Exome Variant Server 0.00015.
gnomAD v4.1: 43 of 1,614,054 alleles (0.0027%); highest among the groups gnomAD compares: African/African-American, 0.039%; no homozygotes.

Submissions (2):

Ambry Genetics
Classification: Uncertain significance for Inborn genetic diseases. Last evaluated: 2024-11-09. Review status: criteria provided, single submitter. Criteria: Ambry Variant Classification Scheme 2023. Collection method: clinical testing. Allele origin: germline.

Labcorp Genetics (formerly Invitae), Labcorp
Classification: Uncertain significance for Osteogenesis imperfecta type 8. Last evaluated: 2022-07-06. Review status: criteria provided, single submitter. Criteria: Invitae Variant Classification Sherloc (09022015). Collection method: clinical testing. Allele origin: germline.
Comment: This sequence change replaces arginine, which is basic and polar, with glutamine, which is neutral and polar, at codon 411 of the P3H1 protein (p.Arg411Gln). This variant is present in population databases (rs148636462, gnomAD 0.05%). This variant has not been reported in the literature in individuals affected with P3H1-related conditions. ClinVar contains an entry for this variant (Variation ID: 1494904). Algorithms developed to predict the effect of missense changes on protein structure and function (SIFT, PolyPhen-2, Align-GVGD) all suggest that this variant is likely to be tolerated. In summary, the available evidence is currently insufficient to determine the role of this variant in disease. Therefore, it has been classified as a Variant of Uncertain Significance.